The following is an entry in ClinVar:

ClinVar aggregate classification (germline): Uncertain significance (1 of 4 stars; one submission).

Allele frequency attached by ClinVar (database versions not stated): TOPMed below 0.00001.

Submission:

GeneDx
Classification: Uncertain significance. Last evaluated: 2022-08-31. Review status: criteria provided, single submitter. Criteria: GeneDx Variant Classification Process June 2021. Collection method: clinical testing. Allele origin: germline. Affected: yes.
Comment: Not observed at significant frequency in large population cohorts (gnomAD); In silico analysis supports that this missense variant has a deleterious effect on protein structure/function; Has not been previously published as pathogenic or benign to our knowledge

NM_002653.5(PITX1):c.489G>C (p.Gln163His)

Gene: PITX1 (paired like homeodomain 1; minus strand). Cytogenetic location: 5q31.1.
Variant type: single nucleotide variant.
Coding change: c.489G>C on transcript NM_002653.5 (MANE Select); coding-DNA position 489, G replaced by C.
Protein change: p.Gln163His; replaces glutamine 163 with histidine.
Molecular consequence: missense variant.
Genome position (GRCh38, 1-based): chr5:135,029,235, C>G on the plus strand (G>C on the coding strand, the complement: PITX1 is on the minus strand). VCF-style: chr5-135029235-C-G. GRCh37 (hg19) VCF-style: chr5-134364925-C-G.
Other names: short protein forms Q163H.
Identifiers: ClinVar variation 2442533 (VCV002442533.1), dbSNP rs1277812715, ClinGen allele CA361028153.